The following is an entry in ClinVar:

NM_000051.4(ATM):c.1381G>T (p.Glu461Ter)

Gene: ATM (ATM serine/threonine kinase; plus strand). Cytogenetic location: 11q22.3.
Variant type: single nucleotide variant.
Coding change: c.1381G>T on transcript NM_000051.4 (MANE Select); coding-DNA position 1381, G replaced by T.
Protein change: p.Glu461Ter; replaces glutamic acid 461 with a stop codon.
Molecular consequence: nonsense.
Genome position (GRCh38, 1-based): chr11:108,250,846, G>T. VCF-style: chr11-108250846-G-T. GRCh37 (hg19) VCF-style: chr11-108121573-G-T.
Other names: c.1381G>T, p.Glu461Ter (NM_001351834.2); short protein forms E461*.
Identifiers: ClinVar variation 1771304 (VCV001771304.2), dbSNP rs781578507, ClinGen allele CA382533863.

ClinVar aggregate classification (germline): Pathogenic (1 of 4 stars; one submission).

Conditions:
Hereditary cancer-predisposing syndrome. Also called: Hereditary Cancer Syndrome; Hereditary neoplastic syndrome; Neoplastic Syndromes, Hereditary; Tumor predisposition. Identifiers: Orphanet 140162, MedGen C0027672, MeSH D009386, MONDO:0015356.

Submission:

Ambry Genetics
Classification: Pathogenic for Hereditary cancer-predisposing syndrome. Last evaluated: 2021-03-01. Review status: criteria provided, single submitter. Criteria: Ambry Variant Classification Scheme 2023. Collection method: clinical testing. Allele origin: germline.
Comment: The p.E461* pathogenic mutation (also known as c.1381G>T), located in coding exon 9 of the ATM gene, results from a G to T substitution at nucleotide position 1381. This changes the amino acid from a glutamic acid to a stop codon within coding exon 9. This alteration is expected to result in loss of function by premature protein truncation or nonsense-mediated mRNA decay. As such, this alteration is interpreted as a disease-causing mutation.